The following is an entry in ClinVar:

NM_014915.3(ANKRD26):c.3617G>A (p.Arg1206Lys)

Gene: ANKRD26 (ankyrin repeat domain containing 26; minus strand). Cytogenetic location: 10p12.1.
Variant type: single nucleotide variant.
Coding change: c.3617G>A on transcript NM_014915.3 (MANE Select); coding-DNA position 3617, G replaced by A.
Protein change: p.Arg1206Lys; replaces arginine 1206 with lysine.
Molecular consequence: missense variant.
Genome position (GRCh38, 1-based): chr10:27,034,833, C>T on the plus strand (G>A on the coding strand, the complement: ANKRD26 is on the minus strand). VCF-style: chr10-27034833-C-T. GRCh37 (hg19) VCF-style: chr10-27323762-C-T.
Other names: c.3614G>A, p.Arg1205Lys (NM_001256053.2); short protein forms R1205K, R1206K.
Identifiers: ClinVar variation 3396688 (VCV003396688.1).
Genomic context (GRCh38, chr10:27,034,833, plus strand): 5'-TATTTATCTTTCTTGATACTTACTTCTCTTTCTGCCTTTTCATTTTCATATTGATACTGT[C>T]TTTCTTTTAAGTGATTACATTCACTGATTAACTCCTTATTTCTTTCTTCTAGCAGAAGAC-3'
Protein context (NP_055730.2, residues 1196-1216): LISECNHLKE[Arg1206Lys]QYQYENEKAE

ClinVar aggregate classification (germline): Uncertain significance (1 of 4 stars; one submission).

Conditions:
Inborn genetic diseases. Identifiers: MedGen C0950123, MeSH D030342.

Submission:

Ambry Genetics
Classification: Uncertain significance for Inborn genetic diseases. Last evaluated: 2024-11-25. Review status: criteria provided, single submitter. Criteria: Ambry Variant Classification Scheme 2023. Collection method: clinical testing. Allele origin: germline.
Comment: The p.R1206K variant (also known as c.3617G>A), located in coding exon 24 of the ANKRD26 gene, results from a G to A substitution at nucleotide position 3617. The arginine at codon 1206 is replaced by lysine, an amino acid with highly similar properties. This amino acid position is conserved. In addition, this alteration is predicted to be tolerated by in silico analysis. Based on the available evidence, the clinical significance of this variant remains unclear.